The following is an entry in ClinVar:

ClinVar aggregate classification (germline): Likely benign. Review status: criteria provided, multiple submitters, no conflicts (2 of 4 stars). 3 submissions from 3 submitters: Likely benign (3). Last evaluated 2025-12-01.

Conditions:
Microcephaly 5, primary, autosomal recessive (MCPH5). Also called: ASPM Primary Microcephaly. Identifiers: Orphanet 2512, MedGen C1837501, MONDO:0012106, OMIM 608716.

Allele frequency attached by ClinVar (database versions not stated): TOPMed 0.00003; gnomAD 0.00005 and 0.00006; ExAC 0.00006.
gnomAD v4.1: 33 of 1,612,902 alleles (0.002%); highest among the groups gnomAD compares: Admixed American, 0.055%; no homozygotes.

Submissions (3):

Labcorp Genetics (formerly Invitae), Labcorp
Classification: Likely benign. Last evaluated: 2025-12-01. Review status: criteria provided, single submitter. Criteria: Invitae Variant Classification Sherloc (09022015). Collection method: clinical testing. Allele origin: germline.

Genome-Nilou Lab
Classification: Likely benign for Microcephaly 5, primary, autosomal recessive. Last evaluated: 2023-04-11. Review status: criteria provided, single submitter. Criteria: ACMG Guidelines, 2015. Collection method: clinical testing. Allele origin: germline. Affected: no.

GeneDx
Classification: Likely benign. Last evaluated: 2017-10-19. Review status: criteria provided, single submitter. Criteria: GeneDx Variant Classification (06012015). Collection method: clinical testing. Allele origin: germline. Affected: yes.
Comment: This variant is considered likely benign or benign based on one or more of the following criteria: it is a conservative change, it occurs at a poorly conserved position in the protein, it is predicted to be benign by multiple in silico algorithms, and/or has population frequency not consistent with disease.

NM_018136.5(ASPM):c.4914G>A (p.Val1638=)

Gene: ASPM (assembly factor for spindle microtubules; minus strand). Cytogenetic location: 1q31.3.
Variant type: single nucleotide variant.
Coding change: c.4914G>A on transcript NM_018136.5 (MANE Select); coding-DNA position 4914, G replaced by A.
Protein change: p.Val1638=; no amino-acid change (valine 1638 retained).
Molecular consequence: synonymous variant. On other transcripts: intron variant (1).
Genome position (GRCh38, 1-based): chr1:197,104,337, C>T on the plus strand (G>A on the coding strand, the complement: ASPM is on the minus strand). VCF-style: chr1-197104337-C-T. GRCh37 (hg19) VCF-style: chr1-197073467-C-T.
Other names: c.4066-8173G>A (NM_001206846.2).
Identifiers: ClinVar variation 512965 (VCV000512965.10), dbSNP rs759159863, ClinGen allele CA1309844.